The following is an entry in ClinVar:

NM_012254.3(SLC27A5):c.964T>C (p.Ser322Pro)

Gene: SLC27A5 (solute carrier family 27 member 5; minus strand). Cytogenetic location: 19q13.43.
Variant type: single nucleotide variant.
Coding change: c.964T>C on transcript NM_012254.3 (MANE Select); coding-DNA position 964, T replaced by C.
Protein change: p.Ser322Pro; replaces serine 322 with proline.
Molecular consequence: missense variant.
Genome position (GRCh38, 1-based): chr19:58,509,940, A>G on the plus strand (T>C on the coding strand, the complement: SLC27A5 is on the minus strand). VCF-style: chr19-58509940-A-G. GRCh37 (hg19) VCF-style: chr19-59021307-A-G.
Other names: c.712T>C, p.Ser238Pro (NM_001321196.2); short protein forms S238P, S322P.
Identifiers: ClinVar variation 3354260 (VCV003354260.1).

ClinVar aggregate classification (germline): Uncertain significance (0 of 4 stars; one submission).

Conditions:
SLC27A5-related disorder. Also called: SLC27A5-related condition.

gnomAD v4.1: 3 of 1,614,080 alleles (0.00019%); highest among the groups gnomAD compares: South Asian, 0.0033%; no homozygotes.

Submission:

PreventionGenetics, part of Exact Sciences
Classification: Uncertain significance for SLC27A5-related condition. Last evaluated: 2024-03-23. Review status: no assertion criteria provided. Collection method: clinical testing. Allele origin: germline.
Comment: The SLC27A5 c.964T>C variant is predicted to result in the amino acid substitution p.Ser322Pro. To our knowledge, this variant has not been reported in the literature or in a large population database, indicating this variant is rare. At this time, the clinical significance of this variant is uncertain due to the absence of conclusive functional and genetic evidence.